The following is an entry in ClinVar:

NM_000179.3(MSH6):c.3447A>C (p.Leu1149Phe)

Gene: MSH6 (mutS homolog 6; plus strand). Cytogenetic location: 2p16.3.
Variant type: single nucleotide variant.
Coding change: c.3447A>C on transcript NM_000179.3 (MANE Select); coding-DNA position 3447, A replaced by C.
Protein change: p.Leu1149Phe; replaces leucine 1149 with phenylalanine.
Molecular consequence: missense variant.
Genome position (GRCh38, 1-based): chr2:47,804,918, A>C. VCF-style: chr2-47804918-A-C. GRCh37 (hg19) VCF-style: chr2-48032057-A-C.
Other names: c.3057A>C, p.Leu1019Phe (NM_001281492.2); c.2541A>C, p.Leu847Phe (NM_001281493.2, NM_001281494.2); short protein forms L1149F, L1019F, L847F.
Identifiers: ClinVar variation 233043 (VCV000233043.21), dbSNP rs876660151, ClinGen allele CA10578144.

ClinVar aggregate classification (germline): Conflicting classifications of pathogenicity. Review status: criteria provided, conflicting classifications (1 of 4 stars). 5 submissions from 5 submitters: Likely pathogenic (1); Uncertain significance (4). Last evaluated 2026-02-23.

Conditions:
Hereditary nonpolyposis colorectal neoplasms. Identifiers: MedGen C0009405, MeSH D003123.
Hereditary cancer-predisposing syndrome. Also called: Tumor predisposition; Neoplastic Syndromes, Hereditary; Hereditary Cancer Syndrome; Hereditary neoplastic syndrome. Identifiers: Orphanet 140162, MedGen C0027672, MeSH D009386, MONDO:0015356.

Allele frequency attached by ClinVar (database versions not stated): TOPMed below 0.00001; gnomAD 0.00001.
gnomAD v4.1: 1 of 1,613,706 alleles (0.000062%); highest among the groups gnomAD compares: African/African-American, 0.0013%; no homozygotes.

Submissions (5):

Women's Health and Genetics/Laboratory Corporation of America, LabCorp
Classification: Uncertain significance. Last evaluated: 2026-02-23. Review status: criteria provided, single submitter. Criteria: LabCorp Variant Classification Summary - May 2015. Collection method: clinical testing. Allele origin: germline.
Comment: Variant summary: MSH6 c.3447A>C (p.Leu1149Phe) results in a non-conservative amino acid change in the encoded protein sequence. Algorithms developed to predict the effect of missense changes on protein structure and function all suggest that this variant is likely to be disruptive. The variant was absent in 251424 control chromosomes. The available data on variant occurrences in the general population are insufficient to allow any conclusion about variant significance. c.3447A>C has been observed in individual(s) affected with/suspected of Lynch Syndrome and/or mismatch repair cancer syndrome (Li_2020, internal data). These data do not allow any conclusion about variant significance. To our knowledge, no experimental evidence demonstrating an impact on protein function has been reported. The following publication has been ascertained in the context of this evaluation (PMID: 31391288). ClinVar contains an entry for this variant (Variation ID: 233043). Based on the evidence outlined above, the variant was classified as uncertain significance.

Labcorp Genetics (formerly Invitae), Labcorp
Classification: Uncertain significance for Hereditary nonpolyposis colorectal neoplasms. Last evaluated: 2025-11-03. Review status: criteria provided, single submitter. Criteria: Invitae Variant Classification Sherloc (09022015). Collection method: clinical testing. Allele origin: germline.
Comment: This sequence change replaces leucine, which is neutral and non-polar, with phenylalanine, which is neutral and non-polar, at codon 1149 of the MSH6 protein (p.Leu1149Phe). This variant is not present in population databases (gnomAD no frequency). This missense change has been observed in individuals with clinical features of CMMR-D and/or clinical features of Lynch syndrome (external communication, internal data). Invitae Evidence Modeling of clinical and family history, age, sex, and reported ancestry of multiple individuals with this MSH6 variant has been performed. This variant is expected to be benign with a negative predictive value of at least 95%. This is a validated machine learning model that incorporates the clinical features of 1,627,235 individuals referred to our laboratory for MSH6 testing. ClinVar contains an entry for this variant (Variation ID: 233043). Invitae Evidence Modeling of protein sequence and biophysical properties (such as structural, functional, and spatial information, amino acid conservation, physicochemical variation, residue mobility, and thermodynamic stability) has been performed for this missense variant. However, the output from this modeling did not meet the statistical confidence thresholds required to predict the impact of this variant on MSH6 protein function. In summary, the available evidence is currently insufficient to determine the role of this variant in disease. Therefore, it has been classified as a Variant of Uncertain Significance.

Color Diagnostics, LLC DBA Color Health
Classification: Uncertain significance for Hereditary cancer-predisposing syndrome. Last evaluated: 2025-03-04. Review status: criteria provided, single submitter. Criteria: ACMG Guidelines, 2015. Collection method: clinical testing. Allele origin: germline.
Comment: This missense variant replaces leucine with phenylalanine at codon 1149 of the MSH6 protein. Computational prediction is inconclusive regarding the impact of this variant on protein structure and function. To our knowledge, functional studies have not been reported for this variant. This variant has been reported in individuals affected with Lynch syndrome-associated tumors (ClinVar: SCV000277339.10). This variant has not been identified in the general population by the Genome Aggregation Database (gnomAD). The available evidence is insufficient to determine the role of this variant in disease conclusively. Therefore, this variant is classified as a Variant of Uncertain Significance.

Ambry Genetics
Classification: Likely pathogenic for Hereditary cancer-predisposing syndrome. Last evaluated: 2024-11-14. Review status: criteria provided, single submitter. Criteria: Ambry Variant Classification Scheme 2023. Collection method: clinical testing. Allele origin: germline.
Comment: The p.L1149F variant (also known as c.3447A>C), located in coding exon 6 of the MSH6 gene, results from an A to C substitution at nucleotide position 3447. The leucine at codon 1149 is replaced by phenylalanine, an amino acid with highly similar properties. This variant has been identified in probands whose Lynch syndrome-associated tumors demonstrated isolated loss of MSH6 expression by immunohistochemistry (Ambry internal data). Based on internal structural analysis, L1149F is deleterious (Ambry internal data). This variant is considered to be rare based on population cohorts in the Genome Aggregation Database (gnomAD). This amino acid position is highly conserved in available vertebrate species. In addition, the in silico prediction for this alteration is inconclusive. Based on the majority of available evidence to date, this variant is likely to be pathogenic.

GeneDx
Classification: Uncertain significance. Last evaluated: 2023-07-18. Review status: criteria provided, single submitter. Criteria: GeneDx Variant Classification Process June 2021. Collection method: clinical testing. Allele origin: germline. Affected: yes.
Comment: Not observed at significant frequency in large population cohorts (gnomAD); In silico analysis supports that this missense variant has a deleterious effect on protein structure/function; Has not been previously published as pathogenic or benign to our knowledge; This variant is associated with the following publications: (PMID: 17531815, 21120944, 12019211)

Literature cited by the submitters: PubMed 31391288 (cited by Women's Health and Genetics/Laboratory Corporation of America, LabCorp).